The following is an entry in ClinVar:

ClinVar aggregate classification (germline): Uncertain significance. Review status: criteria provided, multiple submitters, no conflicts (2 of 4 stars). 3 submissions from 3 submitters: Uncertain significance (3). Last evaluated 2024-12-10.

Conditions:
Autoinflammatory syndrome. Identifiers: Orphanet 93665, MedGen C3890737, MONDO:0019751.
Generalized pustular psoriasis. Identifiers: Orphanet 247353, MedGen C0343055, MONDO:0100491.

Allele frequency attached by ClinVar (database versions not stated): ExAC 0.00003; gnomAD exomes 0.00007; TOPMed 0.00011; 1000 Genomes Project 30x 0.00016.
gnomAD v4.1: 126 of 1,613,896 alleles (0.0078%); highest among the groups gnomAD compares: Middle Eastern, 0.017%; no homozygotes.

Submissions (3):

Labcorp Genetics (formerly Invitae), Labcorp
Classification: Uncertain significance for Generalized pustular psoriasis. Last evaluated: 2024-12-10. Review status: criteria provided, single submitter. Criteria: Invitae Variant Classification Sherloc (09022015). Collection method: clinical testing. Allele origin: germline.
Comment: This sequence change falls in intron 4 of the IL36RN gene. It does not directly change the encoded amino acid sequence of the IL36RN protein. This variant is present in population databases (rs754661425, gnomAD 0.01%). This variant has not been reported in the literature in individuals affected with IL36RN-related conditions. ClinVar contains an entry for this variant (Variation ID: 836349). Algorithms developed to predict the effect of sequence changes on RNA splicing suggest that this variant may create or strengthen a splice site. In summary, the available evidence is currently insufficient to determine the role of this variant in disease. Therefore, it has been classified as a Variant of Uncertain Significance.

Genome Diagnostics Laboratory, The Hospital for Sick Children
Classification: Uncertain significance for Autoinflammatory syndrome. Last evaluated: 2021-03-26. Review status: criteria provided, single submitter. Criteria: ACMG Guidelines, 2015. Collection method: clinical testing. Allele origin: germline. Affected: yes.

Illumina Laboratory Services, Illumina
Classification: Uncertain significance for Acrodermatitis continua suppurativa of Hallopeau. Last evaluated: 2018-01-13. Review status: criteria provided, single submitter. Criteria: ICSL Variant Classification Criteria 13 December 2019. Collection method: clinical testing. Allele origin: germline.

NM_012275.3(IL36RN):c.244-5G>A

Gene: IL36RN (interleukin 36 receptor antagonist; plus strand). Cytogenetic location: 2q14.1.
Variant type: single nucleotide variant.
Coding change: c.244-5G>A on transcript NM_012275.3 (MANE Select); 5 bases into the intron before coding-DNA position 244, G replaced by A.
Molecular consequence: intron variant.
Genome position (GRCh38, 1-based): chr2:113,062,448, G>A. VCF-style: chr2-113062448-G-A. GRCh37 (hg19) VCF-style: chr2-113820025-G-A.
Other names: c.244-5G>A (NM_173170.1).
Identifiers: ClinVar variation 836349 (VCV000836349.12), dbSNP rs754661425, ClinGen allele CA1838419.